The following is an entry in ClinVar:

ClinVar aggregate classification (germline): Conflicting classifications of pathogenicity. Review status: criteria provided, conflicting classifications (1 of 4 stars). 8 submissions from 7 submitters: Uncertain significance (3); Benign (1); Likely benign (3). 1 of the submissions does not count toward it. Last evaluated 2026-01-22.

Conditions:
Singleton-Merten syndrome 1 (SGMRT1). Also called: Widened medullary cavities of bone, aortic calcification, abnormal dentition, and muscular weakness; Syndrome of widened medullary cavities of the metacarpals and phalanges, aortic calcification and abnormal dentition. Identifiers: Orphanet 85191, MedGen C4225427, MONDO:0024535, OMIM 182250.
Immunodeficiency 95 (IMD95). Identifiers: MedGen C5676929, MONDO:0030692, OMIM 619773.
Aicardi-Goutieres syndrome 7 (AGS7). Identifiers: Orphanet 51, MedGen C3888244, MONDO:0014367, OMIM 615846.
IFIH1-related disorder. Also called: IFIH1-related condition.
Inborn genetic diseases. Identifiers: MedGen C0950123, MeSH D030342.

Allele frequency attached by ClinVar (database versions not stated): gnomAD exomes 0.00061; TOPMed 0.00207; 1000 Genomes Project 0.00220; ExAC 0.00067; gnomAD 0.00194 and 0.00207; ESP Exome Variant Server 0.00200; 1000 Genomes Project 30x 0.00203.
gnomAD v4.1: 635 of 1,609,668 alleles (0.039%); highest among the groups gnomAD compares: African/African-American, 0.62%; no homozygotes.

Submissions (8):

Labcorp Genetics (formerly Invitae), Labcorp
Classification: Benign for Aicardi-Goutieres syndrome 7; Singleton-Merten syndrome 1. Last evaluated: 2026-01-22. Review status: criteria provided, single submitter. Criteria: Invitae Variant Classification Sherloc (09022015). Collection method: clinical testing. Allele origin: germline.

Ambry Genetics
Classification: Likely benign for Inborn genetic diseases. Last evaluated: 2025-12-04. Review status: criteria provided, single submitter. Criteria: Ambry Variant Classification Scheme 2023. Collection method: clinical testing. Allele origin: germline.

Women's Health and Genetics/Laboratory Corporation of America, LabCorp
Classification: Likely benign. Last evaluated: 2025-10-28. Review status: criteria provided, single submitter. Criteria: LabCorp Variant Classification Summary - May 2015. Collection method: clinical testing. Allele origin: germline.

Blueprint Genetics
Classification: Likely benign. Last evaluated: 2024-10-26. Review status: criteria provided, single submitter. Criteria: ACMG Guidelines, 2015. Collection method: clinical testing. Allele origin: germline.

CeGaT Center for Human Genetics Tuebingen
Classification: Uncertain significance. Last evaluated: 2023-12-01. Review status: criteria provided, single submitter. Criteria: CeGaT Center For Human Genetics Tuebingen Variant Classification Criteria Version 2. Collection method: clinical testing. Allele origin: germline. Affected: yes. Observed: 1 variant allele.

Center for Genomics, Ann and Robert H. Lurie Children's Hospital of Chicago
Classification: Uncertain significance for Immunodeficiency 95; Aicardi-Goutieres syndrome 7; Singleton-Merten syndrome 1. Last evaluated: 2021-03-30. Review status: criteria provided, single submitter. Criteria: ACMG Guidelines, 2015. Collection method: clinical testing. Allele origin: germline.
Comment: IFIH1 NM_022168.3 exon 12 p.Ala788Thr (c.2362G>A): This variant has not been reported in the literature but is present in 0.6% (156/24918) of African alleles in the Genome Aggregation Database. This variant is present in ClinVar (Variation ID:541788). Evolutionary conservation and computational predictive tools suggest that this variant may impact the protein. In summary, data on this variant is insufficient for disease classification. Therefore, the clinical significance of this variant is uncertain.

Center for Genomics, Ann and Robert H. Lurie Children's Hospital of Chicago
Classification: Uncertain significance for Aicardi-Goutieres syndrome 7; Singleton-Merten syndrome 1. Last evaluated: 2019-06-20. Review status: criteria provided, single submitter. Criteria: ACMG Guidelines, 2015. Collection method: clinical testing. Allele origin: germline.
Comment: the same text as in the submission from Center for Genomics, Ann and Robert H. Lurie Children's Hospital of Chicago above.

PreventionGenetics, part of Exact Sciences
Classification: Benign for IFIH1-related condition. Last evaluated: 2024-06-22. Review status: no assertion criteria provided. Collection method: clinical testing. Allele origin: germline. Not counted in ClinVar's aggregate classification.
Comment: This variant is classified as benign based on ACMG/AMP sequence variant interpretation guidelines (Richards et al. 2015 PMID: 25741868, with internal and published modifications).

NM_022168.4(IFIH1):c.2362G>A (p.Ala788Thr)

Gene: IFIH1 (interferon induced with helicase C domain 1; minus strand). Cytogenetic location: 2q24.2.
Variant type: single nucleotide variant.
Coding change: c.2362G>A on transcript NM_022168.4 (MANE Select); coding-DNA position 2362, G replaced by A.
Protein change: p.Ala788Thr; replaces alanine 788 with threonine.
Molecular consequence: missense variant.
Genome position (GRCh38, 1-based): chr2:162,273,887, C>T on the plus strand (G>A on the coding strand, the complement: IFIH1 is on the minus strand). VCF-style: chr2-162273887-C-T. GRCh37 (hg19) VCF-style: chr2-163130397-C-T.
Other names: c.2362G>A (NM_022168.2); c.2362G>A, p.Ala788Thr (LRG_1235t1); short protein forms A788T.
Identifiers: ClinVar variation 541788 (VCV000541788.42), dbSNP rs148369169, ClinGen allele CA1934212.
Genomic context (GRCh38, chr2:162,273,887, plus strand): 5'-CATAACGGATAACAATGTTACATTCTTTAATATCCAGACCTTCTTCTGCCACTGTGGTAG[C>T]GATAAGCAGATTTATTTTTCCAGTGCGAAATTTACTAATGACTTCTTTTTGTTCATTCTG-3'
Protein context (NP_071451.2, residues 778-798): FRTGKINLLI[Ala788Thr]TTVAEEGLDI